The following is an entry in ClinVar:

ClinVar aggregate classification (germline): Likely benign (0 of 4 stars; one submission).

Conditions:
ELANE-related disorder. Also called: ELANE-related condition.

Allele frequency attached by ClinVar (database versions not stated): gnomAD 0.00001.

Submission:

PreventionGenetics, part of Exact Sciences
Classification: Likely benign for ELANE-related condition. Last evaluated: 2020-09-23. Review status: no assertion criteria provided. Collection method: clinical testing. Allele origin: germline.
Comment: This variant is classified as likely benign based on ACMG/AMP sequence variant interpretation guidelines (Richards et al. 2015 PMID: 25741868, with internal and published modifications).

NM_001972.4(ELANE):c.-5C>T

Gene: ELANE (elastase, neutrophil expressed; plus strand). Cytogenetic location: 19p13.3.
Variant type: single nucleotide variant.
Coding change: c.-5C>T on transcript NM_001972.4 (MANE Select); 5 bases upstream of the start codon, C replaced by T.
Molecular consequence: 5 prime UTR variant.
Genome position (GRCh38, 1-based): chr19:852,324, C>T. VCF-style: chr19-852324-C-T. GRCh37 (hg19) VCF-style: chr19-852324-C-T.
Identifiers: ClinVar variation 3032788 (VCV003032788.2), dbSNP rs1250772095, ClinGen allele CA631007513.
Genomic context (GRCh38, chr19:852,324, plus strand): 5'-CACAGGGCTATAAGAGGAGCCGGGCGGGCACGGAGGGGCAGAGACCCCGGAGCCCCAGCC[C>T]CACCATGACCCTCGGCCGCCGACTCGCGTGTCTTTTCCTCGCCTGTGTCCTGCCGGCCTT-3'